The following is an entry in ClinVar:

ClinVar aggregate classification (germline): Uncertain significance (1 of 4 stars; one submission).

Conditions:
MN1-related disorder. Also called: MN1-related condition.

Submission:

PreventionGenetics, part of Exact Sciences
Classification: Uncertain significance for MN1-related condition. Last evaluated: 2026-06-09. Review status: criteria provided, single submitter. Criteria: ACMG Guidelines, 2015. Collection method: clinical testing. Allele origin: germline.
Comment: The MN1 c.907C>A variant is predicted to result in the amino acid substitution p.Pro303Thr. To our knowledge, this variant has not been reported in the literature or in a large population database (gnomAD), indicating this variant is rare. At this time, the clinical significance of this variant is uncertain due to the absence of conclusive functional and genetic evidence.

NM_002430.3(MN1):c.907C>A (p.Pro303Thr)

Gene: MN1 (MN1 proto-oncogene, transcriptional regulator; minus strand). Cytogenetic location: 22q12.1.
Variant type: single nucleotide variant.
Coding change: c.907C>A on transcript NM_002430.3 (MANE Select); coding-DNA position 907, C replaced by A.
Protein change: p.Pro303Thr; replaces proline 303 with threonine.
Molecular consequence: missense variant.
Genome position (GRCh38, 1-based): chr22:27,799,637, G>T on the plus strand (C>A on the coding strand, the complement: MN1 is on the minus strand). VCF-style: chr22-27799637-G-T. GRCh37 (hg19) VCF-style: chr22-28195625-G-T.
Other names: short protein forms P303T.
Identifiers: ClinVar variation 4991670 (VCV004991670.1).